The following is an entry in ClinVar:

NM_001197104.2(KMT2A):c.3200G>A (p.Arg1067Gln)

Gene: KMT2A (lysine methyltransferase 2A; plus strand). Cytogenetic location: 11q23.3.
Variant type: single nucleotide variant.
Coding change: c.3200G>A on transcript NM_001197104.2 (MANE Select); coding-DNA position 3200, G replaced by A.
Protein change: p.Arg1067Gln; replaces arginine 1067 with glutamine.
Molecular consequence: missense variant.
Genome position (GRCh38, 1-based): chr11:118,476,848, G>A. VCF-style: chr11-118476848-G-A. GRCh37 (hg19) VCF-style: chr11-118347563-G-A.
Other names: c.3299G>A, p.Arg1100Gln (NM_001412597.1); c.3200G>A, p.Arg1067Gln (NM_005933.4); short protein forms R1067Q, R1100Q.
Identifiers: ClinVar variation 3618467 (VCV003618467.2).

ClinVar aggregate classification (germline): Uncertain significance (1 of 4 stars; one submission).

Submission:

Labcorp Genetics (formerly Invitae), Labcorp
Classification: Uncertain significance. Last evaluated: 2024-06-04. Review status: criteria provided, single submitter. Criteria: Invitae Variant Classification Sherloc (09022015). Collection method: clinical testing. Allele origin: germline.
Comment: This sequence change replaces arginine, which is basic and polar, with glutamine, which is neutral and polar, at codon 1067 of the KMT2A protein (p.Arg1067Gln). This variant is not present in population databases (gnomAD no frequency). This missense change has been observed in individual(s) with clinical features of Wiedemann-Steiner syndrome (PMID: 33783954). Advanced modeling of protein sequence and biophysical properties (such as structural, functional, and spatial information, amino acid conservation, physicochemical variation, residue mobility, and thermodynamic stability) performed at Invitae indicates that this missense variant is expected to disrupt KMT2A protein function with a positive predictive value of 95%. In summary, the available evidence is currently insufficient to determine the role of this variant in disease. Therefore, it has been classified as a Variant of Uncertain Significance.

Literature cited by the submitters: PubMed 33783954.